The following is an entry in ClinVar:

ClinVar aggregate classification (germline): Uncertain significance (0 of 4 stars; one submission).

Conditions:
INF2-related disorder. Also called: INF2-related condition.

Allele frequency attached by ClinVar (database versions not stated): gnomAD exomes below 0.00001; gnomAD 0.00001.
gnomAD v4.1: 2 of 1,532,078 alleles (0.00013%); highest among the groups gnomAD compares: Non-Finnish European, 0.00018%; no homozygotes.

Submission:

PreventionGenetics, part of Exact Sciences
Classification: Uncertain significance for INF2-related condition. Last evaluated: 2024-02-14. Review status: no assertion criteria provided. Collection method: clinical testing. Allele origin: germline.
Comment: The INF2 c.3049A>C variant is predicted to result in the amino acid substitution p.Ser1017Arg. To our knowledge, this variant has not been reported in the literature. This variant is reported in 0.0065% of alleles in individuals of European (Non-Finnish) descent in gnomAD. At this time, the clinical significance of this variant is uncertain due to the absence of conclusive functional and genetic evidence.

NM_022489.4(INF2):c.3049A>C (p.Ser1017Arg)

Gene: INF2 (inverted formin 2; plus strand). Cytogenetic location: 14q32.33.
Variant type: single nucleotide variant.
Coding change: c.3049A>C on transcript NM_022489.4 (MANE Select); coding-DNA position 3049, A replaced by C.
Protein change: p.Ser1017Arg; replaces serine 1017 with arginine.
Molecular consequence: missense variant.
Genome position (GRCh38, 1-based): chr14:104,714,211, A>C. VCF-style: chr14-104714211-A-C. GRCh37 (hg19) VCF-style: chr14-105180548-A-C.
Other names: c.3049A>C, p.Ser1017Arg (NM_001031714.4, NM_001426862.1, NM_001426863.1 and 2 more transcripts); short protein forms S1017R.
Identifiers: ClinVar variation 3061128 (VCV003061128.2), dbSNP rs1407969958, ClinGen allele CA391223334.
Genomic context (GRCh38, chr14:104,714,211, plus strand): 5'-GCTGGCTCGGGGGCAGGGTGCCTGCCCTTCACTGGTGTGTCCCTCCATCCAGTGGCCACC[A>C]GTAACCCTGCAGGAGATCCCGTGGGCAGCACGCGCTGTCCCGCCTCTGAGCCCGGCCTTG-3'
Protein context (NP_071934.3, residues 1007-1027): PPRATEPVAT[Ser1017Arg]NPAGDPVGST